The following is an entry in ClinVar:

ClinVar aggregate classification (germline): Benign/Likely benign. Review status: criteria provided, multiple submitters, no conflicts (2 of 4 stars). 3 submissions from 3 submitters: Benign (1); Likely benign (1). 1 of the submissions does not count toward it. Last evaluated 2025-12-13.

Conditions:
DVL1-related disorder. Also called: DVL1-related condition.

Allele frequency attached by ClinVar (database versions not stated): TOPMed 0.00022; gnomAD 0.00023; ESP Exome Variant Server 0.00031; 1000 Genomes Project 0.00040; 1000 Genomes Project 30x 0.00047; ExAC 0.00054.
gnomAD v4.1: 404 of 1,608,772 alleles (0.025%); highest among the groups gnomAD compares: Middle Eastern, 0.23%; 2 homozygotes.

Submissions (3):

Labcorp Genetics (formerly Invitae), Labcorp
Classification: Benign. Last evaluated: 2025-12-13. Review status: criteria provided, single submitter. Criteria: Invitae Variant Classification Sherloc (09022015). Collection method: clinical testing. Allele origin: germline.

Blueprint Genetics
Classification: Likely benign. Last evaluated: 2024-11-18. Review status: criteria provided, single submitter. Criteria: ACMG Guidelines, 2015. Collection method: clinical testing. Allele origin: germline.

PreventionGenetics, part of Exact Sciences
Classification: Likely benign for DVL1-related condition. Last evaluated: 2024-04-12. Review status: no assertion criteria provided. Collection method: clinical testing. Allele origin: germline. Not counted in ClinVar's aggregate classification.
Comment: This variant is classified as likely benign based on ACMG/AMP sequence variant interpretation guidelines (Richards et al. 2015 PMID: 25741868, with internal and published modifications).

NM_001330311.2(DVL1):c.585C>T (p.Asp195=)

Gene: DVL1 (dishevelled segment polarity protein 1; minus strand). Cytogenetic location: 1p36.33.
Variant type: single nucleotide variant.
Coding change: c.585C>T on transcript NM_001330311.2 (MANE Select); coding-DNA position 585, C replaced by T.
Protein change: p.Asp195=; no amino-acid change (aspartic acid 195 retained).
Molecular consequence: synonymous variant.
Genome position (GRCh38, 1-based): chr1:1,341,687, G>A on the plus strand (C>T on the coding strand, the complement: DVL1 is on the minus strand). VCF-style: chr1-1341687-G-A. GRCh37 (hg19) VCF-style: chr1-1277067-G-A.
Other names: c.585C>T (NM_004421.2); c.585C>T, p.Asp195= (NM_004421.3).
Identifiers: ClinVar variation 2427942 (VCV002427942.9), dbSNP rs141682898, ClinGen allele CA520610.
Genomic context (GRCh38, chr1:1,341,687, plus strand): 5'-GGGCACACAGGCATACACGCCCACAGACACTCCCACACACCTGCTCGTGCTGCCATCCTC[G>A]TCCGAGTCCACAAAGCTGCTGGACTCAAGCTCGCTGCTGAGGGCGGTGGACGCGCTGTCT-3'
Protein context (NP_001317240.1, residues 185-205): ELESSSFVDS[Asp195=]EDGSTSRLSS